The following is an entry in ClinVar:

NM_006767.4(LZTR1):c.710G>T (p.Arg237Leu)

Gene: LZTR1 (leucine zipper like post translational regulator 1; plus strand). Cytogenetic location: 22q11.21.
Variant type: single nucleotide variant.
Coding change: c.710G>T on transcript NM_006767.4 (MANE Select); coding-DNA position 710, G replaced by T.
Protein change: p.Arg237Leu; replaces arginine 237 with leucine.
Molecular consequence: missense variant.
Genome position (GRCh38, 1-based): chr22:20,990,444, G>T. VCF-style: chr22-20990444-G-T. GRCh37 (hg19) VCF-style: chr22-21344733-G-T.
Other names: short protein forms R237L.
Identifiers: ClinVar variation 3652815 (VCV003652815.2).

ClinVar aggregate classification (germline): Uncertain significance (1 of 4 stars; one submission).

Submission:

Labcorp Genetics (formerly Invitae), Labcorp
Classification: Uncertain significance. Last evaluated: 2024-05-09. Review status: criteria provided, single submitter. Criteria: Invitae Variant Classification Sherloc (09022015). Collection method: clinical testing. Allele origin: germline.
Comment: This sequence change replaces arginine, which is basic and polar, with leucine, which is neutral and non-polar, at codon 237 of the LZTR1 protein (p.Arg237Leu). This variant is not present in population databases (gnomAD no frequency). This variant has not been reported in the literature in individuals affected with LZTR1-related conditions. Advanced modeling of protein sequence and biophysical properties (such as structural, functional, and spatial information, amino acid conservation, physicochemical variation, residue mobility, and thermodynamic stability) performed at Invitae indicates that this missense variant is not expected to disrupt LZTR1 protein function with a negative predictive value of 80%. In summary, the available evidence is currently insufficient to determine the role of this variant in disease. Therefore, it has been classified as a Variant of Uncertain Significance.